The following is an entry in ClinVar:

ClinVar aggregate classification (germline): Uncertain significance. Review status: criteria provided, multiple submitters, no conflicts (2 of 4 stars). 2 submissions from 2 submitters: Uncertain significance (2). Last evaluated 2025-05-20.

Allele frequency attached by ClinVar (database versions not stated): ExAC 0.00001; gnomAD exomes 0.00001; gnomAD 0.00005; TOPMed 0.00005; ESP Exome Variant Server 0.00008.

Submissions (2):

Ambry Genetics
Classification: Uncertain significance. Last evaluated: 2025-05-20. Review status: criteria provided, single submitter. Criteria: Ambry Variant Classification Scheme 2023. Collection method: clinical testing. Allele origin: germline.

Labcorp Genetics (formerly Invitae), Labcorp
Classification: Uncertain significance. Last evaluated: 2024-10-23. Review status: criteria provided, single submitter. Criteria: Invitae Variant Classification Sherloc (09022015). Collection method: clinical testing. Allele origin: germline.
Comment: This sequence change replaces methionine, which is neutral and non-polar, with valine, which is neutral and non-polar, at codon 1049 of the TNS2 protein (p.Met1049Val). This variant is present in population databases (rs148335475, gnomAD 0.004%). This variant has not been reported in the literature in individuals affected with TNS2-related conditions. An algorithm developed to predict the effect of missense changes on protein structure and function (PolyPhen-2) suggests that this variant is likely to be tolerated. In summary, the available evidence is currently insufficient to determine the role of this variant in disease. Therefore, it has been classified as a Variant of Uncertain Significance.

NM_170754.4(TNS2):c.3115A>G (p.Met1039Val)

Gene: TNS2 (tensin 2; plus strand). Cytogenetic location: 12q13.13.
Variant type: single nucleotide variant.
Coding change: c.3115A>G on transcript NM_170754.4 (MANE Select); coding-DNA position 3115, A replaced by G.
Protein change: p.Met1039Val; replaces methionine 1039 with valine.
Molecular consequence: missense variant.
Genome position (GRCh38, 1-based): chr12:53,061,021, A>G. VCF-style: chr12-53061021-A-G. GRCh37 (hg19) VCF-style: chr12-53454805-A-G.
Other names: c.3145A>G (NM_015319.2); c.3115A>G, p.Met1039Val (NM_001416202.1); c.3073A>G, p.Met1025Val (NM_001416203.1); c.3142A>G, p.Met1048Val (NM_001416204.1); c.3046A>G, p.Met1016Val (NM_015319.3); c.2743A>G, p.Met915Val (NM_198316.2); short protein forms M1025V, M1016V, M1048V, M1039V, M915V.
Identifiers: ClinVar variation 2722602 (VCV002722602.4), dbSNP rs148335475, ClinGen allele CA6592767.